The following is an entry in ClinVar:

NM_002907.4(RECQL):c.1483G>C (p.Asp495His)

Gene: RECQL (RecQ like helicase; minus strand). Cytogenetic location: 12p12.1.
Variant type: single nucleotide variant.
Coding change: c.1483G>C on transcript NM_002907.4 (MANE Select); coding-DNA position 1483, G replaced by C.
Protein change: p.Asp495His; replaces aspartic acid 495 with histidine.
Molecular consequence: missense variant.
Genome position (GRCh38, 1-based): chr12:21,471,612, C>G on the plus strand (G>C on the coding strand, the complement: RECQL is on the minus strand). VCF-style: chr12-21471612-C-G. GRCh37 (hg19) VCF-style: chr12-21624546-C-G.
Other names: c.1483G>C, p.Asp495His (NM_032941.3); short protein forms D495H.
Identifiers: ClinVar variation 506630 (VCV000506630.55), dbSNP rs6499, ClinGen allele CA6478733.

ClinVar aggregate classification (germline): Benign/Likely benign. Review status: criteria provided, multiple submitters, no conflicts (2 of 4 stars). 10 submissions from 10 submitters: Benign (3); Likely benign (5). 2 of the submissions do not count toward it. Last evaluated 2026-02-04.

Conditions:
RECON progeroid syndrome (RECON). Identifiers: MedGen C5830504, MONDO:0957266, OMIM 620370.
Hereditary cancer-predisposing syndrome. Also called: Neoplastic Syndromes, Hereditary; Hereditary Cancer Syndrome; Tumor predisposition; Hereditary neoplastic syndrome. Identifiers: Orphanet 140162, MedGen C0027672, MeSH D009386, MONDO:0015356.
RECQL-related disorder. Also called: RECQL-related condition.

Allele frequency attached by ClinVar (database versions not stated): 1000 Genomes Project 0.00180; 1000 Genomes Project 30x 0.00234; gnomAD 0.00351 and 0.00353; ESP Exome Variant Server 0.00361; TOPMed 0.00364; ExAC 0.00385; gnomAD exomes 0.00391 and 0.00491.
gnomAD v4.1: 7,697 of 1,612,448 alleles (0.48%); highest among the groups gnomAD compares: Non-Finnish European, 0.55%; 30 homozygotes.

Submissions (10):

Labcorp Genetics (formerly Invitae), Labcorp
Classification: Benign. Last evaluated: 2026-02-04. Review status: criteria provided, single submitter. Criteria: Invitae Variant Classification Sherloc (09022015). Collection method: clinical testing. Allele origin: germline.

CeGaT Center for Human Genetics Tuebingen
Classification: Likely benign. Last evaluated: 2025-12-01. Review status: criteria provided, single submitter. Criteria: CeGaT Center For Human Genetics Tuebingen Variant Classification Criteria Version 2. Collection method: clinical testing. Allele origin: germline. Affected: yes. Observed: 3 variant alleles.
Comment: RECQL: BS2

Quest Diagnostics Nichols Institute San Juan Capistrano
Classification: Benign. Last evaluated: 2025-03-21. Review status: criteria provided, single submitter. Criteria: Quest Diagnostics criteria. Collection method: clinical testing. Allele origin: unknown.

ARUP Laboratories, Molecular Genetics and Genomics, ARUP Laboratories
Classification: Likely benign for RECON progeroid syndrome. Last evaluated: 2024-05-22. Review status: criteria provided, single submitter. Criteria: ARUP Molecular Germline Variant Investigation Process 2024. Collection method: clinical testing. Allele origin: germline.

Ambry Genetics
Classification: Benign. Last evaluated: 2020-07-02. Review status: criteria provided, single submitter. Criteria: Ambry Variant Classification Scheme 2023. Collection method: clinical testing. Allele origin: germline.

Mendelics
Classification: Likely benign for Hereditary cancer-predisposing syndrome. Last evaluated: 2018-07-02. Review status: criteria provided, single submitter. Criteria: Mendelics Assertion Criteria 2017. Collection method: clinical testing. Allele origin: unknown.

GeneDx
Classification: Likely benign. Last evaluated: 2018-01-02. Review status: criteria provided, single submitter. Criteria: GeneDx Variant Classification (06012015). Collection method: clinical testing. Allele origin: germline. Affected: yes.
Comment: This variant is considered likely benign or benign based on one or more of the following criteria: it is a conservative change, it occurs at a poorly conserved position in the protein, it is predicted to be benign by multiple in silico algorithms, and/or has population frequency not consistent with disease.

Breakthrough Genomics
Classification: Likely benign. Review status: criteria provided, single submitter. Criteria: ACMG Guidelines, 2015. Collection method: not provided. Allele origin: germline. Inheritance: Unknown mechanism. Affected: yes.

PreventionGenetics, part of Exact Sciences
Classification: Benign for RECQL-related condition. Last evaluated: 2019-05-29. Review status: no assertion criteria provided. Collection method: clinical testing. Allele origin: germline. Not counted in ClinVar's aggregate classification.
Comment: This variant is classified as benign based on ACMG/AMP sequence variant interpretation guidelines (Richards et al. 2015 PMID: 25741868, with internal and published modifications).

Department of Pathology and Laboratory Medicine, Sinai Health System
Classification: Likely benign. Review status: no assertion criteria provided. Collection method: clinical testing. Allele origin: unknown. Affected: yes. Study: The Canadian Open Genetics Repository (COGR). Not counted in ClinVar's aggregate classification.
Comment: The RECQL p.Asp495His variant was identified in 4 of 854 proband chromosomes (frequency: 0.00468) from individuals with breast and ovarian cancer (Nguyen-Dumont_2018_PMID:29351780). The variant was also identified in dbSNP (ID: rs6499), LOVD 3.0 and ClinVar (classified as likely benign by GeneDx and Mendelics for Hereditary cancer-predisposing syndrome). The variant was identified in control databases in 1075 of 281672 chromosomes (5 homozygous) at a frequency of 0.003816 increasing the likelihood this could be a low frequency benign variant (Genome Aggregation Database Feb 27, 2017). The variant was observed in the following populations: Ashkenazi Jewish in 126 of 10312 chromosomes (freq: 0.01222), Other in 40 of 7174 chromosomes (freq: 0.005576), European (non-Finnish) in 639 of 128500 chromosomes (freq: 0.004973), Latino in 167 of 35252 chromosomes (freq: 0.004737), European (Finnish) in 66 of 25074 chromosomes (freq: 0.002632), African in 36 of 24884 chromosomes (freq: 0.001447) and South Asian in 1 of 30546 chromosomes (freq: 0.000033), but was not observed in the East Asian population. The p.Asp495 residue is not conserved in mammals and computational analyses (PolyPhen-2, SIFT, AlignGVGD, BLOSUM, MutationTaster) provide inconsistent predictions regarding the impact to the protein; this information is not very predictive of pathogenicity. The variant occurs outside of the splicing consensus sequence and in silico or computational prediction software programs (SpliceSiteFinder, MaxEntScan, NNSPLICE, GeneSplicer) do not predict a difference in splicing. In summary, based on the above information the clinical significance of this variant cannot be determined with certainty at this time although we would lean towards a more benign role for this variant. This variant is classified as likely benign.

Literature cited by the submitters: PubMed 29351780 (cited by Quest Diagnostics Nichols Institute San Juan Capistrano).